The following is an entry in ClinVar:

ClinVar aggregate classification (germline): Uncertain significance. Review status: criteria provided, multiple submitters, no conflicts (2 of 4 stars). 2 submissions from 2 submitters: Uncertain significance (2). Last evaluated 2025-10-22.

Conditions:
Inborn genetic diseases. Identifiers: MedGen C0950123, MeSH D030342.
Pityriasis rubra pilaris (PRP). Also called: Pityriasis rubra pilaris--familial type. Identifiers: Orphanet 2897, MedGen C0032027, MONDO:0100017, OMIM 173200, MONDO:0008251.
Psoriasis 2. Identifiers: MedGen C1864497, MONDO:0011269, OMIM 602723.

Allele frequency attached by ClinVar (database versions not stated): TOPMed below 0.00001; gnomAD 0.00001; gnomAD exomes 0.00001.
gnomAD v4.1: 13 of 1,613,898 alleles (0.00081%); highest among the groups gnomAD compares: African/African-American, 0.0067%; no homozygotes.

Submissions (2):

Labcorp Genetics (formerly Invitae), Labcorp
Classification: Uncertain significance for Pityriasis rubra pilaris; Psoriasis 2. Last evaluated: 2025-10-22. Review status: criteria provided, single submitter. Criteria: Invitae Variant Classification Sherloc (09022015). Collection method: clinical testing. Allele origin: germline.
Comment: This sequence change replaces glutamic acid, which is acidic and polar, with lysine, which is basic and polar, at codon 621 of the CARD14 protein (p.Glu621Lys). This variant is present in population databases (no rsID available, gnomAD 0.003%). This variant has not been reported in the literature in individuals affected with CARD14-related conditions. ClinVar contains an entry for this variant (Variation ID: 1412365). Invitae Evidence Modeling of protein sequence and biophysical properties (such as structural, functional, and spatial information, amino acid conservation, physicochemical variation, residue mobility, and thermodynamic stability) indicates that this missense variant is not expected to disrupt CARD14 protein function with a negative predictive value of 95%. In summary, the available evidence is currently insufficient to determine the role of this variant in disease. Therefore, it has been classified as a Variant of Uncertain Significance.

Ambry Genetics
Classification: Uncertain significance for Inborn genetic diseases. Last evaluated: 2024-07-25. Review status: criteria provided, single submitter. Criteria: Ambry Variant Classification Scheme 2023. Collection method: clinical testing. Allele origin: germline.

NM_001366385.1(CARD14):c.1861G>A (p.Glu621Lys)

Genes: CARD14 (caspase recruitment domain family member 14; plus strand), SGSH (N-sulfoglucosamine sulfohydrolase; minus strand). Cytogenetic location: 17q25.3.
Variant type: single nucleotide variant.
Coding change: c.1861G>A on transcript NM_001366385.1 (MANE Select); coding-DNA position 1861, G replaced by A.
Protein change: p.Glu621Lys; replaces glutamic acid 621 with lysine.
Molecular consequence: missense variant. On other transcripts: non-coding transcript variant (1).
Genome position (GRCh38, 1-based): chr17:80,201,753, G>A. VCF-style: chr17-80201753-G-A. GRCh37 (hg19) VCF-style: chr17-78175552-G-A.
Other names: c.1861G>A (NM_024110.3); c.1861G>A, p.Glu621Lys (NM_001257970.1, NM_024110.4); short protein forms E621K.
Identifiers: ClinVar variation 1412365 (VCV001412365.7), dbSNP rs979100899, ClinGen allele CA294879051.
Genomic context (GRCh38, chr17:80,201,753, plus strand): 5'-TGGATTCAGAGTCCCGGGGGAAAGAGACTGACCTTCTCGACTTGCCCTCAGGTTGATTAC[G>A]AAGCCTCAGAGCCCTTGTTCAAGGCAGTCCTGGAGGACACGACCCTGGAGGAGGCCGTGG-3'
Protein context (NP_001353314.1, residues 611-631): PGTQIVMVDY[Glu621Lys]ASEPLFKAVL